The following is an entry in ClinVar:

NM_000383.4(AIRE):c.454G>A (p.Ala152Thr)

Gene: AIRE (autoimmune regulator; plus strand). Cytogenetic location: 21q22.3.
Variant type: single nucleotide variant.
Coding change: c.454G>A on transcript NM_000383.4 (MANE Select); coding-DNA position 454, G replaced by A.
Protein change: p.Ala152Thr; replaces alanine 152 with threonine.
Molecular consequence: missense variant.
Genome position (GRCh38, 1-based): chr21:44,287,124, G>A. VCF-style: chr21-44287124-G-A. GRCh37 (hg19) VCF-style: chr21-45707007-G-A.
Other names: c.454G>A (NM_000383.2); short protein forms A152T.
Identifiers: ClinVar variation 989631 (VCV000989631.8), dbSNP rs771314896, ClinGen allele CA10051560.

ClinVar aggregate classification (germline): Uncertain significance. Review status: criteria provided, multiple submitters, no conflicts (2 of 4 stars). 4 submissions from 4 submitters: Uncertain significance (3). 1 of the submissions does not count toward it. Last evaluated 2025-08-30.

Conditions:
Inborn genetic diseases. Identifiers: MedGen C0950123, MeSH D030342.
Polyglandular autoimmune syndrome, type 1 (APS1). Also called: Autoimmune polyendocrinopathy syndrome , type I, with or without reversible metaphyseal dysplasia; PGA I; HYPOADRENOCORTICISM WITH HYPOPARATHYROIDISM AND SUPERFICIAL MONILIASIS; Autoimmune polyendocrine syndrome type 1; Autoimmune polyendocrinopathy syndrome, type I; Whitaker syndrome. Identifiers: Orphanet 3453, MedGen C0085859, MONDO:0009411, OMIM 240300.

Allele frequency attached by ClinVar (database versions not stated): gnomAD 0.00001; ExAC 0.00002; gnomAD exomes 0.00002; TOPMed 0.00003.
gnomAD v4.1: 35 of 1,612,140 alleles (0.0022%); highest among the groups gnomAD compares: Middle Eastern, 0.017%; no homozygotes.

Submissions (4):

Ambry Genetics
Classification: Uncertain significance for Inborn genetic diseases. Last evaluated: 2025-08-30. Review status: criteria provided, single submitter. Criteria: Ambry Variant Classification Scheme 2023. Collection method: clinical testing. Allele origin: germline.

Labcorp Genetics (formerly Invitae), Labcorp
Classification: Uncertain significance for Polyglandular autoimmune syndrome, type 1. Last evaluated: 2024-12-09. Review status: criteria provided, single submitter. Criteria: Invitae Variant Classification Sherloc (09022015). Collection method: clinical testing. Allele origin: germline.
Comment: This sequence change replaces alanine, which is neutral and non-polar, with threonine, which is neutral and polar, at codon 152 of the AIRE protein (p.Ala152Thr). This variant is present in population databases (rs771314896, gnomAD 0.007%). This variant has not been reported in the literature in individuals affected with AIRE-related conditions. ClinVar contains an entry for this variant (Variation ID: 989631). Invitae Evidence Modeling of protein sequence and biophysical properties (such as structural, functional, and spatial information, amino acid conservation, physicochemical variation, residue mobility, and thermodynamic stability) indicates that this missense variant is not expected to disrupt AIRE protein function with a negative predictive value of 95%. In summary, the available evidence is currently insufficient to determine the role of this variant in disease. Therefore, it has been classified as a Variant of Uncertain Significance.

Blueprint Genetics
Classification: Uncertain significance. Last evaluated: 2021-12-08. Review status: criteria provided, single submitter. Criteria: ACMG Guidelines, 2015. Collection method: clinical testing. Allele origin: germline.

Natera, Inc.
Classification: Uncertain significance for Polyglandular autoimmune syndrome type 1. Last evaluated: 2020-04-20. Review status: no assertion criteria provided. Collection method: clinical testing. Allele origin: germline. Not counted in ClinVar's aggregate classification.